The following is an entry in ClinVar:

NM_000784.4(CYP27A1):c.2T>C (p.Met1Thr)

Gene: CYP27A1 (cytochrome P450 family 27 subfamily A member 1; plus strand). Cytogenetic location: 2q35.
Variant type: single nucleotide variant.
Coding change: c.2T>C on transcript NM_000784.4 (MANE Select); coding-DNA position 2, T replaced by C.
Protein change: p.Met1Thr; changes the start codon (methionine 1).
Molecular consequence: missense variant, initiator codon variant.
Genome position (GRCh38, 1-based): chr2:218,782,184, T>C. VCF-style: chr2-218782184-T-C. GRCh37 (hg19) VCF-style: chr2-219646907-T-C.
Other names: p.Met1?; short protein forms M1T.
Identifiers: ClinVar variation 282570 (VCV000282570.24), dbSNP rs759003992, ClinGen allele CA2112501.

ClinVar aggregate classification (germline): Conflicting classifications of pathogenicity. Review status: criteria provided, conflicting classifications (1 of 4 stars). 11 submissions from 11 submitters: Pathogenic (1); Likely pathogenic (4); Uncertain significance (6). Last evaluated 2026-07-23.

Conditions:
CYP27A1-related disorder. Also called: CYP27A1-related condition.
Cholestanol storage disease (CTX). Also called: CEREBRAL CHOLESTERINOSIS; Cerebrotendinous Xanthomatosis; CTX: Cerebrotendinous xanthomatosis. Identifiers: Orphanet 909, MedGen C0238052, MONDO:0008948, OMIM 213700.

Allele frequency attached by ClinVar (database versions not stated): gnomAD 0.00001 and 0.00003; TOPMed 0.00001; gnomAD exomes 0.00008 and 0.00021; ExAC 0.00089.

Submissions (11):

PreventionGenetics, part of Exact Sciences
Classification: Likely pathogenic for CYP27A1-related condition. Last evaluated: 2026-07-23. Review status: criteria provided, single submitter. Criteria: ACMG Guidelines, 2015. Collection method: clinical testing. Allele origin: germline.
Comment: The CYP27A1 c.2T>C variant is predicted to disrupt the translation initiation site (Start Loss). This variant has been reported in the homozygous or compound heterozygous state with a second CYP27A1 variant in multiple individuals with clinical features consistent with autosomal recessive cerebrotendinous xanthomatosis (CTX; Bajaj et al. 2013. PubMed ID: 24174808; Table S1, AlAbdi et al. 2023. PubMed ID: 37644014; Yaqoob et al. 2024. PubMed ID: 38443015; Mustafa et al. 2025. PubMed ID: 39985941). This variant is reported in 0.12% of alleles in individuals of South Asian descent in gnomAD. However, other protein-truncating variants near the start site of this gene (and upstream of the next in-frame methionine residue, p.Met95) have been reported as causative (Teszas et al. 2006. PubMed ID: 17030721; Benkirane et al. 2021. PubMed ID: 34234304; Min et al. 2024. PubMed ID: 38987800). Taken together, the c.2T>C start loss variant is interpreted as likely pathogenic.

Natera, Inc.
Classification: Likely pathogenic for Cerebrotendinous xanthomatosis. Last evaluated: 2026-01-20. Review status: criteria provided, single submitter. Criteria: Natera Variant Classification Schema (03/2026). Collection method: clinical testing. Allele origin: germline.
Comment: The c.2T>C variant in CYP27A1 is predicted to result in start loss due to disruption of the initiator methionine. This variant is expected to result in nonsense mediated decay, truncation, or a dysfunctional protein product. This variant is rare in the general population with a frequency below the threshold expected for the associated phenotype(s). This variant has been observed in one or more individuals affected with the associated recessive disease, as either homozygous or compound heterozygous with a second variant (PMID: 36129065, 38443015). Additionally, this variant has been observed to segregate in affected family members (PMID: 36129065). Given the available evidence, this variant is classified as Likely Pathogenic.

Genomic Medicine Center of Excellence, King Faisal Specialist Hospital and Research Centre
Classification: Likely pathogenic for Cholestanol storage disease. Last evaluated: 2025-09-10. Review status: criteria provided, single submitter. Criteria: ACMG Guidelines, 2015. Collection method: clinical testing. Allele origin: germline.

Mayo Clinic Laboratories, Mayo Clinic
Classification: Uncertain significance. Last evaluated: 2025-06-06. Review status: criteria provided, single submitter. Criteria: ACMG Guidelines, 2015. Collection method: clinical testing. Allele origin: germline. Observed: 1 variant allele.
Comment: PP1_moderate, PM3, PVS1_supporting

Fulgent Genetics
Classification: Pathogenic for Cholestanol storage disease. Last evaluated: 2024-01-27. Review status: criteria provided, single submitter. Criteria: ACMG Guidelines, 2015. Collection method: clinical testing. Allele origin: germline.

Blueprint Genetics
Classification: Uncertain significance. Last evaluated: 2023-09-06. Review status: criteria provided, single submitter. Criteria: ACMG Guidelines, 2015. Collection method: clinical testing. Allele origin: germline.

Labcorp Genetics (formerly Invitae), Labcorp
Classification: Uncertain significance for Cholestanol storage disease. Last evaluated: 2022-08-01. Review status: criteria provided, single submitter. Criteria: Invitae Variant Classification Sherloc (09022015). Collection method: clinical testing. Allele origin: germline.
Comment: This sequence change affects the initiator methionine of the CYP27A1 mRNA. The next in-frame methionine is located at codon 95. This variant is present in population databases (rs759003992, gnomAD 0.1%). Disruption of the initiator codon has been observed in individual(s) with cerebrotendinous xanthomatosis (PMID: 24174808, 33830582). ClinVar contains an entry for this variant (Variation ID: 282570). In summary, the available evidence is currently insufficient to determine the role of this variant in disease. Therefore, it has been classified as a Variant of Uncertain Significance.

Women's Health and Genetics/Laboratory Corporation of America, LabCorp
Classification: Uncertain significance. Last evaluated: 2021-09-21. Review status: criteria provided, single submitter. Criteria: LabCorp Variant Classification Summary - May 2015. Collection method: clinical testing. Allele origin: germline.
Comment: Variant summary: CYP27A1 c.2T>C (p.Met1Thr) alters the initiation codon and is predicted to result either in absence of the protein or truncation of the encoded protein due to translation initiation at a downstream codon (p.Met95). Two of three in-silico tools predict a damaging effect of the variant on protein function. The variant allele was found at a frequency of 0.00021 in 133178 control chromosomes, predominantly at a frequency of 0.0012 within the South Asian subpopulation in the gnomAD database. The observed variant frequency within South Asian control individuals in the gnomAD database is slightly higher than the estimated maximal expected allele frequency for a pathogenic variant in CYP27A1 causing Cerebrotendinous Xanthomatosis phenotype (0.0011), suggesting that the variant is a benign polymorphism found primarily in populations of South Asian origin. c.2T>C has been reported in the literature in individuals affected with Cerebrotendinous Xanthomatosis (Bajaj_2013, Stelten_2021). However, one family study showed that this variant may not co-segregate with the disease (Stelten_2021). To our knowledge, no experimental evidence demonstrating an impact on protein function has been reported. Two clinical diagnostic laboratories have submitted clinical-significance assessments for this variant to ClinVar after 2014 without evidence for independent evaluation. Both laboratories classified the variant as uncertain significance. Based on the evidence outlined above, the variant was classified as VUS.

Revvity Omics, Revvity
Classification: Likely pathogenic for Cholestanol storage disease. Last evaluated: 2020-05-04. Review status: criteria provided, single submitter. Criteria: ACMG Guidelines, 2015. Collection method: clinical testing. Allele origin: germline.

Illumina Laboratory Services, Illumina
Classification: Uncertain significance for Cholestanol storage disease. Last evaluated: 2018-01-13. Review status: criteria provided, single submitter. Criteria: ICSL Variant Classification Criteria 13 December 2019. Collection method: clinical testing. Allele origin: germline.

Eurofins Ntd Llc (ga)
Classification: Uncertain significance. Last evaluated: 2017-05-04. Review status: criteria provided, single submitter. Criteria: EGL Classification Definitions 2015. Collection method: clinical testing. Allele origin: germline. Observed: 2 variant alleles, 2 heterozygotes.

Literature cited by the submitters: PubMed 36129065 (cited by Natera, Inc. and Mayo Clinic Laboratories, Mayo Clinic); PubMed 38443015 (cited by Natera, Inc.); PubMed 24174808 (cited by 3 submitters); PubMed 33830582 (cited by 3 submitters); PubMed 37644014 (cited by Mayo Clinic Laboratories, Mayo Clinic).